The following is an entry in ClinVar:

NM_001903.5(CTNNA1):c.1055T>C (p.Met352Thr)

Gene: CTNNA1 (catenin alpha 1; plus strand). Cytogenetic location: 5q31.2.
Variant type: single nucleotide variant.
Coding change: c.1055T>C on transcript NM_001903.5 (MANE Select); coding-DNA position 1055, T replaced by C.
Protein change: p.Met352Thr; replaces methionine 352 with threonine.
Molecular consequence: missense variant.
Genome position (GRCh38, 1-based): chr5:138,827,711, T>C. VCF-style: chr5-138827711-T-C. GRCh37 (hg19) VCF-style: chr5-138163400-T-C.
Other names: c.1055T>C (NM_001903.2); c.1055T>C, p.Met352Thr (NM_001290307.3, NM_001323982.2, NM_001323983.1 and 3 more transcripts); c.746T>C, p.Met249Thr (NM_001290309.3); c.686T>C, p.Met229Thr (NM_001290310.3); short protein forms M249T, M352T, M229T.
Identifiers: ClinVar variation 2991258 (VCV002991258.4), dbSNP rs2149786107, ClinGen allele CA361131326.
Genomic context (GRCh38, chr5:138,827,711, plus strand): 5'-GAATTGTGGCAGAGTGTAATGCTGTCCGCCAGGCCCTGCAGGACCTGCTTTCGGAGTACA[T>C]GGGCAATGTGAGTTTGACAGCTTTTCTTTGAAGTAAGATATTTATGGATGAGGAGTTTTC-3'
Protein context (NP_001894.2, residues 342-362): QALQDLLSEY[Met352Thr]GNAGRKERSD

ClinVar aggregate classification (germline): Uncertain significance. Review status: criteria provided, multiple submitters, no conflicts (2 of 4 stars). 2 submissions from 2 submitters: Uncertain significance (2). Last evaluated 2026-04-11.

Conditions:
Hereditary cancer-predisposing syndrome. Also called: Hereditary neoplastic syndrome; Neoplastic Syndromes, Hereditary; Tumor predisposition; Hereditary Cancer Syndrome. Identifiers: Orphanet 140162, MedGen C0027672, MeSH D009386, MONDO:0015356.

Allele frequency attached by ClinVar (database versions not stated): gnomAD exomes below 0.00001.
gnomAD v4.1: 3 of 1,614,184 alleles (0.00019%); highest among the groups gnomAD compares: Non-Finnish European, 0.00025%; no homozygotes.

Submissions (2):

Ambry Genetics
Classification: Uncertain significance for Hereditary cancer-predisposing syndrome. Last evaluated: 2026-04-11. Review status: criteria provided, single submitter. Criteria: Ambry Variant Classification Scheme 2023. Collection method: clinical testing. Allele origin: germline.
Comment: The p.M352T variant (also known as c.1055T>C), located in coding exon 6 of the CTNNA1 gene, results from a T to C substitution at nucleotide position 1055. The methionine at codon 352 is replaced by threonine, an amino acid with similar properties. This amino acid position is conserved. In addition, this alteration is predicted to be deleterious by in silico analysis. Based on the available evidence, the clinical significance of this variant remains unclear.

Labcorp Genetics (formerly Invitae), Labcorp
Classification: Uncertain significance. Last evaluated: 2023-04-06. Review status: criteria provided, single submitter. Criteria: Invitae Variant Classification Sherloc (09022015). Collection method: clinical testing. Allele origin: germline.
Comment: Advanced modeling of protein sequence and biophysical properties (such as structural, functional, and spatial information, amino acid conservation, physicochemical variation, residue mobility, and thermodynamic stability) performed at Invitae indicates that this missense variant is not expected to disrupt CTNNA1 protein function. This sequence change replaces methionine, which is neutral and non-polar, with threonine, which is neutral and polar, at codon 352 of the CTNNA1 protein (p.Met352Thr). This variant is not present in population databases (gnomAD no frequency). This variant has not been reported in the literature in individuals affected with CTNNA1-related conditions. In summary, the available evidence is currently insufficient to determine the role of this variant in disease. Therefore, it has been classified as a Variant of Uncertain Significance.